The following is an entry in ClinVar:

ClinVar aggregate classification (germline): Benign/Likely benign. Review status: criteria provided, multiple submitters, no conflicts (2 of 4 stars). 3 submissions from 3 submitters: Benign (1); Likely benign (2). Last evaluated 2024-12-04.

Allele frequency attached by ClinVar (database versions not stated): gnomAD exomes 0.00002 and 0.00008; ExAC 0.00007; ESP Exome Variant Server 0.00009; gnomAD 0.00018; 1000 Genomes Project 30x 0.00021; TOPMed 0.00023; 1000 Genomes Project 0.00026.

Submissions (3):

Labcorp Genetics (formerly Invitae), Labcorp
Classification: Benign. Last evaluated: 2024-12-04. Review status: criteria provided, single submitter. Criteria: Invitae Variant Classification Sherloc (09022015). Collection method: clinical testing. Allele origin: germline.

CeGaT Center for Human Genetics Tuebingen
Classification: Likely benign. Last evaluated: 2023-12-01. Review status: criteria provided, single submitter. Criteria: CeGaT Center For Human Genetics Tuebingen Variant Classification Criteria Version 2. Collection method: clinical testing. Allele origin: germline. Affected: yes. Observed: 2 variant alleles.
Comment: HUWE1: BP4, BP7, BS2

GeneDx
Classification: Likely benign. Last evaluated: 2021-04-30. Review status: criteria provided, single submitter. Criteria: GeneDx Variant Classification Process June 2021. Collection method: clinical testing. Allele origin: germline. Affected: yes.

NM_031407.7(HUWE1):c.3714A>T (p.Ala1238=)

Genes: HUWE1 (HECT, UBA and WWE domain containing E3 ubiquitin protein ligase 1; minus strand), LOC126863263 (BRD4-independent group 4 enhancer GRCh37_chrX:53619238-53620437; plus strand). Cytogenetic location: Xp11.22.
Variant type: single nucleotide variant.
Coding change: c.3714A>T on transcript NM_031407.7 (MANE Select); coding-DNA position 3714, A replaced by T.
Protein change: p.Ala1238=; no amino-acid change (alanine 1238 retained).
Molecular consequence: synonymous variant.
Genome position (GRCh38, 1-based): chrX:53,593,391, T>A on the plus strand (A>T on the coding strand, the complement: HUWE1 is on the minus strand). VCF-style: chrX-53593391-T-A. GRCh37 (hg19) VCF-style: chrX-53620351-T-A.
Identifiers: ClinVar variation 712668 (VCV000712668.34), dbSNP rs138888354, ClinGen allele CA10422535.